The following is an entry in ClinVar:

ClinVar aggregate classification (germline): Uncertain significance. Review status: criteria provided, multiple submitters, no conflicts (2 of 4 stars). 2 submissions from 2 submitters: Uncertain significance (2). Last evaluated 2025-04-13.

Conditions:
Retinal dystrophy. Also called: Inherited retinal dystrophy. Identifiers: Orphanet 71862, MedGen C0854723, MeSH D058499, MONDO:0019118, HP:0000556.

Allele frequency attached by ClinVar (database versions not stated): ExAC 0.00004; TOPMed 0.00006; gnomAD 0.00001; gnomAD exomes 0.00001.
gnomAD v4.1: 15 of 1,602,628 alleles (0.00094%); highest among the groups gnomAD compares: East Asian, 0.033%; no homozygotes.

Submissions (2):

Labcorp Genetics (formerly Invitae), Labcorp
Classification: Uncertain significance. Last evaluated: 2025-04-13. Review status: criteria provided, single submitter. Criteria: Invitae Variant Classification Sherloc (09022015). Collection method: clinical testing. Allele origin: germline.
Comment: This sequence change replaces isoleucine, which is neutral and non-polar, with methionine, which is neutral and non-polar, at codon 405 of the PROM1 protein (p.Ile405Met). This variant is present in population databases (rs747220095, gnomAD 0.1%). This variant has not been reported in the literature in individuals affected with PROM1-related conditions. ClinVar contains an entry for this variant (Variation ID: 3027640). Invitae Evidence Modeling of protein sequence and biophysical properties (such as structural, functional, and spatial information, amino acid conservation, physicochemical variation, residue mobility, and thermodynamic stability) indicates that this missense variant is not expected to disrupt PROM1 protein function with a negative predictive value of 80%. In summary, the available evidence is currently insufficient to determine the role of this variant in disease. Therefore, it has been classified as a Variant of Uncertain Significance.

Dept Of Ophthalmology, Nagoya University
Classification: Uncertain significance for Retinal dystrophy. Last evaluated: 2023-10-01. Review status: criteria provided, single submitter. Criteria: Submitter's publication. Collection method: research. Allele origin: germline. Affected: yes.

NM_006017.3(PROM1):c.1215A>G (p.Ile405Met)

Gene: PROM1 (prominin 1; minus strand). Cytogenetic location: 4p15.32.
Variant type: single nucleotide variant.
Coding change: c.1215A>G on transcript NM_006017.3 (MANE Select); coding-DNA position 1215, A replaced by G.
Protein change: p.Ile405Met; replaces isoleucine 405 with methionine.
Molecular consequence: missense variant.
Genome position (GRCh38, 1-based): chr4:16,009,035, T>C on the plus strand (A>G on the coding strand, the complement: PROM1 is on the minus strand). VCF-style: chr4-16009035-T-C. GRCh37 (hg19) VCF-style: chr4-16010658-T-C.
Other names: c.1188A>G, p.Ile396Met (NM_001145847.2, NM_001145848.2, NM_001145851.2 and 4 more transcripts); c.1215A>G, p.Ile405Met (NM_001145849.2, NM_001145850.2); short protein forms I396M, I405M.
Identifiers: ClinVar variation 3027640 (VCV003027640.2), dbSNP rs747220095, ClinGen allele CA2866834.